The following is an entry in ClinVar:

ClinVar aggregate classification (germline): Uncertain significance. Review status: criteria provided, multiple submitters, no conflicts (2 of 4 stars). 3 submissions from 3 submitters: Uncertain significance (3). Last evaluated 2026-03-01.

Conditions:
Arthrogryposis, distal, with impaired proprioception and touch (DAIPT). Identifiers: MedGen C4310692, MONDO:0014941, OMIM 617146.
Inborn genetic diseases. Identifiers: MedGen C0950123, MeSH D030342.

Allele frequency attached by ClinVar (database versions not stated): gnomAD exomes 0.00002; TOPMed 0.00002; gnomAD 0.00003.
gnomAD v4.1: 28 of 1,537,080 alleles (0.0018%); highest among the groups gnomAD compares: East Asian, 0.032%; no homozygotes.

Submissions (3):

CeGaT Center for Human Genetics Tuebingen
Classification: Uncertain significance. Last evaluated: 2026-03-01. Review status: criteria provided, single submitter. Criteria: CeGaT Center For Human Genetics Tuebingen Variant Classification Criteria Version 2. Collection method: clinical testing. Allele origin: germline. Affected: yes. Observed: 1 variant allele.
Comment: PIEZO2: PM2, BP4

Department of Paediatrics at Addenbrookes, Cambridge University Hospitals NHS Foundation Trust (UK)
Classification: Uncertain significance for Arthrogryposis, distal, with impaired proprioception and touch. Last evaluated: 2025-05-27. Review status: criteria provided, single submitter. Criteria: Durkie Uk Practice Guidelines For Variant Classification V12 2024 (1). Collection method: clinical testing. Allele origin: unknown.
Comment: PM2_Moderate; BP4_Supporting

Ambry Genetics
Classification: Uncertain significance for Inborn genetic diseases. Last evaluated: 2022-12-28. Review status: criteria provided, single submitter. Criteria: Ambry Variant Classification Scheme 2023. Collection method: clinical testing. Allele origin: germline.

NM_001378183.1(PIEZO2):c.5752G>A (p.Glu1918Lys)

Gene: PIEZO2 (piezo type mechanosensitive ion channel component 2; minus strand). Cytogenetic location: 18p11.22.
Variant type: single nucleotide variant.
Coding change: c.5752G>A on transcript NM_001378183.1 (MANE Select); coding-DNA position 5752, G replaced by A.
Protein change: p.Glu1918Lys; replaces glutamic acid 1918 with lysine.
Molecular consequence: missense variant.
Genome position (GRCh38, 1-based): chr18:10,705,583, C>T on the plus strand (G>A on the coding strand, the complement: PIEZO2 is on the minus strand). VCF-style: chr18-10705583-C-T. GRCh37 (hg19) VCF-style: chr18-10705581-C-T.
Other names: c.5488G>A, p.Glu1830Lys (NM_001410871.1); c.5413G>A, p.Glu1805Lys (NM_022068.4); short protein forms E1830K, E1918K, E1805K.
Identifiers: ClinVar variation 2409244 (VCV002409244.7), dbSNP rs1384004544, ClinGen allele CA401910748.
Genomic context (GRCh38, chr18:10,705,583, plus strand): 5'-CATCCCCGTCCAAGGTGGAGAACTGTGTCAGCTCTTCCTCTGGGGTGAGGCTGGCCTCCT[C>T]GGCACCCATGGCTCCCACATCGTACCCAGTGGCCTCGTACTCCTTGGCCTCCCTGGGCTC-3'
Protein context (NP_001365112.1, residues 1908-1928): TGYDVGAMGA[Glu1918Lys]EASLTPEEEL